The following is an entry in ClinVar:

NM_000179.3(MSH6):c.2069A>T (p.Tyr690Phe)

Gene: MSH6 (mutS homolog 6; plus strand). Cytogenetic location: 2p16.3.
Variant type: single nucleotide variant.
Coding change: c.2069A>T on transcript NM_000179.3 (MANE Select); coding-DNA position 2069, A replaced by T.
Protein change: p.Tyr690Phe; replaces tyrosine 690 with phenylalanine.
Molecular consequence: missense variant.
Genome position (GRCh38, 1-based): chr2:47,800,052, A>T. VCF-style: chr2-47800052-A-T. GRCh37 (hg19) VCF-style: chr2-48027191-A-T.
Other names: p.Y690F:TAC>TTC; c.1679A>T, p.Tyr560Phe (NM_001281492.2); c.1163A>T, p.Tyr388Phe (NM_001281493.2, NM_001281494.2); short protein forms Y690F, Y388F, Y560F.
Identifiers: ClinVar variation 182631 (VCV000182631.11), dbSNP rs730881794, ClinGen allele CA009644.

ClinVar aggregate classification (germline): Uncertain significance. Review status: criteria provided, multiple submitters, no conflicts (2 of 4 stars). 2 submissions from 2 submitters: Uncertain significance (2). Last evaluated 2023-07-10.

Conditions:
Hereditary nonpolyposis colorectal neoplasms. Identifiers: MedGen C0009405, MeSH D003123.

gnomAD v4.1: 1 of 1,614,132 alleles (0.000062%); highest among the groups gnomAD compares: Non-Finnish European, 0.000085%; no homozygotes.

Submissions (2):

Labcorp Genetics (formerly Invitae), Labcorp
Classification: Uncertain significance for Hereditary nonpolyposis colorectal neoplasms. Last evaluated: 2023-07-10. Review status: criteria provided, single submitter. Criteria: Invitae Variant Classification Sherloc (09022015). Collection method: clinical testing. Allele origin: germline.
Comment: In summary, the available evidence is currently insufficient to determine the role of this variant in disease. Therefore, it has been classified as a Variant of Uncertain Significance. Advanced modeling of protein sequence and biophysical properties (such as structural, functional, and spatial information, amino acid conservation, physicochemical variation, residue mobility, and thermodynamic stability) has been performed at Invitae for this missense variant, however the output from this modeling did not meet the statistical confidence thresholds required to predict the impact of this variant on MSH6 protein function. ClinVar contains an entry for this variant (Variation ID: 182631). This variant has not been reported in the literature in individuals affected with MSH6-related conditions. This variant is not present in population databases (gnomAD no frequency). This sequence change replaces tyrosine, which is neutral and polar, with phenylalanine, which is neutral and non-polar, at codon 690 of the MSH6 protein (p.Tyr690Phe).

GeneDx
Classification: Uncertain significance. Last evaluated: 2014-04-29. Review status: criteria provided, single submitter. Criteria: GeneDx Variant Classification (06012015). Collection method: clinical testing. Allele origin: germline. Affected: yes.
Comment: This variant is denoted MSH6 c.2069A>T at the cDNA level, p.Tyr690Phe (Y690F) at the protein level, and results in the change of a Tyrosine to a Phenylalanine (TAC>TTC). This variant has not, to our knowledge, been published in the literature as pathogenic or benign. MSH6 Tyr690Phe was not observed in approximately 6,500 individuals of European and African American ancestry in the NHLBI Exome Sequencing Project, indicating it is not a common benign variant in these populations. Since Tyrosine and Phenylalanine differ in polarity, charge, size or other properties, this is considered a non-conservative amino acid substitution. MSH6 Tyr690Phe occurs at a position that is highly conserved across species and is located in the MutS domain II (Terui 2013). In silico analyses predict that this variant is probably damaging to protein structure and function. Based on currently available information, it is unclear whether MSH6 Tyr690Phe is pathogenic or benign. We consider it to be a variant of uncertain significance.